The following is an entry in ClinVar:

ClinVar aggregate classification (germline): Uncertain significance (1 of 4 stars; one submission).

Submission:

GeneDx
Classification: Uncertain significance. Last evaluated: 2022-09-23. Review status: criteria provided, single submitter. Criteria: GeneDx Variant Classification Process June 2021. Collection method: clinical testing. Allele origin: germline. Affected: yes.
Comment: Not observed at significant frequency in large population cohorts (gnomAD); In silico analysis supports that this variant does not alter splicing; Has not been previously published as pathogenic or benign to our knowledge

NM_001081550.2(THOC2):c.72-5T>A

Gene: THOC2 (THO complex subunit 2; minus strand). Cytogenetic location: Xq25.
Variant type: single nucleotide variant.
Coding change: c.72-5T>A on transcript NM_001081550.2 (MANE Select); 5 bases into the intron before coding-DNA position 72, T replaced by A.
Molecular consequence: intron variant.
Genome position (GRCh38, 1-based): chrX:123,712,913, A>T on the plus strand (T>A on the coding strand, the complement: THOC2 is on the minus strand). VCF-style: chrX-123712913-A-T. GRCh37 (hg19) VCF-style: chrX-122846763-A-T.
Identifiers: ClinVar variation 2446078 (VCV002446078.1), dbSNP rs2522231546, ClinGen allele CA2580100290.